The following is an entry in ClinVar:

NM_001130438.3(SPTAN1):c.3627+312C>T

Gene: SPTAN1 (spectrin alpha, non-erythrocytic 1; plus strand). Cytogenetic location: 9q34.11.
Variant type: single nucleotide variant.
Coding change: c.3627+312C>T on transcript NM_001130438.3 (MANE Select); 312 bases into the intron after coding-DNA position 3627, C replaced by T.
Molecular consequence: intron variant.
Genome position (GRCh38, 1-based): chr9:128,603,902, C>T. VCF-style: chr9-128603902-C-T. GRCh37 (hg19) VCF-style: chr9-131366181-C-T.
Other names: c.3627+312C>T (NM_001363759.2, NM_003127.4); c.3567+312C>T (NM_001363765.2, NM_001195532.2).
Identifiers: ClinVar variation 680975 (VCV000680975.1), dbSNP rs114198206, ClinGen allele CA13076099.
Genomic context (GRCh38, chr9:128,603,902, plus strand): 5'-GGAGCTGGAAGGAGCACAGTCTCAGTAATGCAGTGAGCGGCTTCCTTGCCGCCTGCAGTG[C>T]GAGGTCCTGTGGCGTGTCGGCTCTTCCCAGGCCTGCTCTGGCCTGAGAGTCTGCTGATTG-3'

ClinVar aggregate classification (germline): Benign (1 of 4 stars; one submission).

Allele frequency attached by ClinVar (database versions not stated): gnomAD 0.02218 and 0.02408; 1000 Genomes Project 0.02256; TOPMed 0.02529; 1000 Genomes Project 30x 0.02561.
gnomAD v4.1: 3,346 of 152,334 alleles (2.2%); highest among the groups gnomAD compares: African/African-American, 7.7%; 106 homozygotes.

Submission:

GeneDx
Classification: Benign. Last evaluated: 2018-06-19. Review status: criteria provided, single submitter. Criteria: GeneDx Variant Classification (06012015). Collection method: clinical testing. Allele origin: germline. Affected: yes.
Comment: This variant is considered likely benign or benign based on one or more of the following criteria: it is a conservative change, it occurs at a poorly conserved position in the protein, it is predicted to be benign by multiple in silico algorithms, and/or has population frequency not consistent with disease.